The following is an entry in ClinVar:

ClinVar aggregate classification (germline): Uncertain significance (1 of 4 stars; one submission).

Conditions:
Kaya-Barakat-Masson syndrome. Also called: YIF1B-Related Neurodevelopmental Disorder. Identifiers: Orphanet 684240, MedGen C5436856, MONDO:0030878, OMIM 619125.

Submission:

3billion
Classification: Uncertain significance for Kaya-Barakat-Masson syndrome. Last evaluated: 2025-03-05. Review status: criteria provided, single submitter. Criteria: ACMG Guidelines, 2015. Collection method: clinical testing. Allele origin: germline. Affected: yes.
Comment: The variant is not observed in the gnomAD v4.1.0 dataset. Predicted Consequence/Location: Synonymous variant In silico tools predict the variant to alter splicing and produce an abnormal transcript [SpliceAI: 0.56 (>=0.2, moderate evidence for spliceogenicity)]. Therefore, this variant is classified as VUS according to the recommendation of ACMG/AMP guideline.

NM_001039672.3(YIF1B):c.402G>A (p.Gln134=)

Gene: YIF1B (Yip1 interacting factor homolog B, membrane trafficking protein; minus strand). Cytogenetic location: 19q13.2.
Variant type: single nucleotide variant.
Coding change: c.402G>A on transcript NM_001039672.3 (MANE Select); coding-DNA position 402, G replaced by A.
Protein change: p.Gln134=; no amino-acid change (glutamine 134 retained).
Molecular consequence: synonymous variant.
Genome position (GRCh38, 1-based): chr19:38,309,224, C>T on the plus strand (G>A on the coding strand, the complement: YIF1B is on the minus strand). VCF-style: chr19-38309224-C-T. GRCh37 (hg19) VCF-style: chr19-38799864-C-T.
Other names: c.357G>A, p.Gln119= (NM_001039671.3); c.393G>A, p.Gln131= (NM_001039673.3, NM_001145463.2); c.351G>A, p.Gln117= (NM_001145461.2); c.309G>A, p.Gln103= (NM_001145462.2).
Identifiers: ClinVar variation 4294025 (VCV004294025.1).